The following is an entry in ClinVar:

NM_000051.4(ATM):c.1976A>T (p.Lys659Met)

Gene: ATM (ATM serine/threonine kinase; plus strand). Cytogenetic location: 11q22.3.
Variant type: single nucleotide variant.
Coding change: c.1976A>T on transcript NM_000051.4 (MANE Select); coding-DNA position 1976, A replaced by T.
Protein change: p.Lys659Met; replaces lysine 659 with methionine.
Molecular consequence: missense variant.
Genome position (GRCh38, 1-based): chr11:108,253,891, A>T. VCF-style: chr11-108253891-A-T. GRCh37 (hg19) VCF-style: chr11-108124618-A-T.
Other names: c.1976A>T, p.Lys659Met (NM_001351834.2); short protein forms K659M.
Identifiers: ClinVar variation 834584 (VCV000834584.9), dbSNP rs1565390043, ClinGen allele CA382536857.
Genomic context (GRCh38, chr11:108,253,891, plus strand): 5'-ATAAAGAAGAACTTTCATTCTCAGAAGTAGAAGAACTATTTCTTCAGACAACTTTTGACA[A>T]GATGGACTTTTTAACCATTGTGAGAGAATGTGGTATAGAAAAGCACCAGTCCAGTATTGG-3'
Protein context (NP_000042.3, residues 649-669): EELFLQTTFD[Lys659Met]MDFLTIVREC

ClinVar aggregate classification (germline): Uncertain significance (1 of 4 stars; one submission).

Conditions:
Ataxia-telangiectasia syndrome (AT). Also called: Ataxia-telangiectasia, complementation group E; Ataxia telangiectasia (A-T); LOUIS-BAR SYNDROME; Ataxia-telangiectasia, complementation group D; AT, COMPLEMENTATION GROUP C; Ataxia-telangiectasia. Identifiers: Orphanet 100, MedGen C0004135, MONDO:0008840, OMIM 208900.

Submission:

Labcorp Genetics (formerly Invitae), Labcorp
Classification: Uncertain significance for Ataxia-telangiectasia syndrome. Last evaluated: 2019-03-29. Review status: criteria provided, single submitter. Criteria: Invitae Variant Classification Sherloc (09022015). Collection method: clinical testing. Allele origin: germline.
Comment: Algorithms developed to predict the effect of missense changes on protein structure and function are either unavailable or do not agree on the potential impact of this missense change (SIFT: "Tolerated"; PolyPhen-2: "Possibly Damaging"; Align-GVGD: "Class C0"). This variant has not been reported in the literature in individuals with ATM-related conditions. This variant is not present in population databases (ExAC no frequency). This sequence change replaces lysine with methionine at codon 659 of the ATM protein (p.Lys659Met). The lysine residue is weakly conserved and there is a moderate physicochemical difference between lysine and methionine. In summary, the available evidence is currently insufficient to determine the role of this variant in disease. Therefore, it has been classified as a Variant of Uncertain Significance.